The following is an entry in ClinVar:

NM_000393.5(COL5A2):c.1339G>C (p.Gly447Arg)

Gene: COL5A2 (collagen type V alpha 2 chain; minus strand). Cytogenetic location: 2q32.2.
Variant type: single nucleotide variant.
Coding change: c.1339G>C on transcript NM_000393.5 (MANE Select); coding-DNA position 1339, G replaced by C.
Protein change: p.Gly447Arg; replaces glycine 447 with arginine.
Molecular consequence: missense variant.
Genome position (GRCh38, 1-based): chr2:189,068,077, C>G on the plus strand (G>C on the coding strand, the complement: COL5A2 is on the minus strand). VCF-style: chr2-189068077-C-G. GRCh37 (hg19) VCF-style: chr2-189932803-C-G.
Other names: short protein forms G447R.
Identifiers: ClinVar variation 2506858 (VCV002506858.1), dbSNP rs2469311196, ClinGen allele CA349852785.

ClinVar aggregate classification (germline): Uncertain significance (1 of 4 stars; one submission).

Submission:

GeneDx
Classification: Uncertain significance. Last evaluated: 2022-12-23. Review status: criteria provided, single submitter. Criteria: GeneDx Variant Classification Process June 2021. Collection method: clinical testing. Allele origin: germline. Affected: yes.
Comment: Not observed at significant frequency in large population cohorts (gnomAD); In silico analysis supports that this missense variant has a deleterious effect on protein structure/function; Has not been previously published as pathogenic or benign to our knowledge; This variant is associated with the following publications: (PMID: 22696272, 24077912)